The following is an entry in ClinVar:

ClinVar aggregate classification (germline): Uncertain significance (1 of 4 stars; one submission).

gnomAD v4.1: 4 of 1,600,124 alleles (0.00025%); highest among the groups gnomAD compares: Non-Finnish European, 0.00034%; no homozygotes.

Submission:

Labcorp Genetics (formerly Invitae), Labcorp
Classification: Uncertain significance. Last evaluated: 2025-05-27. Review status: criteria provided, single submitter. Criteria: Invitae Variant Classification Sherloc (09022015). Collection method: clinical testing. Allele origin: germline.
Comment: This sequence change replaces leucine, which is neutral and non-polar, with isoleucine, which is neutral and non-polar, at codon 419 of the POLE2 protein (p.Leu419Ile). This variant is not present in population databases (gnomAD no frequency). This variant has not been reported in the literature in individuals affected with POLE2-related conditions. An algorithm developed to predict the effect of missense changes on protein structure and function (PolyPhen-2) suggests that this variant is likely to be tolerated. In summary, the available evidence is currently insufficient to determine the role of this variant in disease. Therefore, it has been classified as a Variant of Uncertain Significance.

NM_002692.4(POLE2):c.1255T>A (p.Leu419Ile)

Gene: POLE2 (DNA polymerase epsilon 2, accessory subunit; minus strand). Cytogenetic location: 14q21.3.
Variant type: single nucleotide variant.
Coding change: c.1255T>A on transcript NM_002692.4 (MANE Select); coding-DNA position 1255, T replaced by A.
Protein change: p.Leu419Ile; replaces leucine 419 with isoleucine.
Molecular consequence: missense variant.
Genome position (GRCh38, 1-based): chr14:49,651,334, A>T on the plus strand (T>A on the coding strand, the complement: POLE2 is on the minus strand). VCF-style: chr14-49651334-A-T. GRCh37 (hg19) VCF-style: chr14-50118052-A-T.
Other names: c.1177T>A, p.Leu393Ile (NM_001197330.2); c.1255T>A, p.Leu419Ile (NM_001197331.3); c.1252T>A, p.Leu418Ile (NM_001348384.2); c.1024T>A, p.Leu342Ile (NM_001348385.2); short protein forms L342I, L393I, L418I, L419I.
Identifiers: ClinVar variation 4798208 (VCV004798208.1).